The following is an entry in ClinVar:

ClinVar aggregate classification (germline): Likely benign (1 of 4 stars; one submission).

gnomAD v4.1: 12 of 1,478,654 alleles (0.00081%); highest among the groups gnomAD compares: Admixed American, 0.021%; no homozygotes.

Submission:

CeGaT Center for Human Genetics Tuebingen
Classification: Likely benign. Last evaluated: 2026-06-01. Review status: criteria provided, single submitter. Criteria: CeGaT Center For Human Genetics Tuebingen Variant Classification Criteria Version 2. Collection method: clinical testing. Allele origin: germline. Affected: yes. Observed: 1 variant allele.
Comment: TMPRSS6: BP4, BP7

NM_001374504.1(TMPRSS6):c.810G>T (p.Gly270=)

Gene: TMPRSS6 (transmembrane serine protease 6; minus strand). Cytogenetic location: 22q12.3.
Variant type: single nucleotide variant.
Coding change: c.810G>T on transcript NM_001374504.1 (MANE Select); coding-DNA position 810, G replaced by T.
Protein change: p.Gly270=; no amino-acid change (glycine 270 retained).
Molecular consequence: synonymous variant.
Genome position (GRCh38, 1-based): chr22:37,089,604, C>A on the plus strand (G>T on the coding strand, the complement: TMPRSS6 is on the minus strand). VCF-style: chr22-37089604-C-A. GRCh37 (hg19) VCF-style: chr22-37485644-C-A.
Other names: c.810G>T, p.Gly270= (NM_001289000.2, NM_001289001.2, NM_153609.4).
Identifiers: ClinVar variation 4875371 (VCV004875371.2).
Genomic context (GRCh38, chr22:37,089,604, plus strand): 5'-GCCCTCCCTCCTGCCCTCCTTCCCAGGGACTCACGAGGTGATGAGCCTCTTCTCCAGGGG[C>A]CCGGCCACGTCATACATGGCCAGTCGGTCCCGGCACTCTGCCAGCGTCCACTCCAGCCGG-3'
Protein context (NP_001361433.1, residues 260-280): RDRLAMYDVA[Gly270=]PLEKRLITSV